The following is an entry in ClinVar:

ClinVar aggregate classification (germline): Benign (1 of 4 stars; one submission).

Allele frequency attached by ClinVar (database versions not stated): gnomAD 0.04603; 1000 Genomes Project 0.04792; 1000 Genomes Project 30x 0.05200; TOPMed 0.05260.
gnomAD v4.1: 7,065 of 152,004 alleles (4.6%); highest among the groups gnomAD compares: African/African-American, 16%; 572 homozygotes.

Submission:

GeneDx
Classification: Benign. Last evaluated: 2018-06-15. Review status: criteria provided, single submitter. Criteria: GeneDx Variant Classification (06012015). Collection method: clinical testing. Allele origin: germline. Affected: yes.
Comment: This variant is considered likely benign or benign based on one or more of the following criteria: it is a conservative change, it occurs at a poorly conserved position in the protein, it is predicted to be benign by multiple in silico algorithms, and/or has population frequency not consistent with disease.

NM_024675.4(PALB2):c.211+274C>T

Gene: PALB2 (partner and localizer of BRCA2; minus strand). Cytogenetic location: 16p12.2.
Variant type: single nucleotide variant.
Coding change: c.211+274C>T on transcript NM_024675.4 (MANE Select); 274 bases into the intron after coding-DNA position 211, C replaced by T.
Molecular consequence: intron variant.
Genome position (GRCh38, 1-based): chr16:23,637,576, G>A on the plus strand (C>T on the coding strand, the complement: PALB2 is on the minus strand). VCF-style: chr16-23637576-G-A. GRCh37 (hg19) VCF-style: chr16-23648897-G-A.
Identifiers: ClinVar variation 679723 (VCV000679723.1), dbSNP rs13332044, ClinGen allele CA279501600.